The following is an entry in ClinVar:

NM_001267550.2(TTN):c.41032C>A (p.Leu13678Ile)

Gene: TTN (titin; minus strand). Cytogenetic location: 2q31.2.
Variant type: single nucleotide variant.
Coding change: c.41032C>A on transcript NM_001267550.2 (MANE Select); coding-DNA position 41032, C replaced by A.
Protein change: p.Leu13678Ile; replaces leucine 13678 with isoleucine.
Molecular consequence: missense variant.
Genome position (GRCh38, 1-based): chr2:178,636,695, G>T on the plus strand (C>A on the coding strand, the complement: TTN is on the minus strand). VCF-style: chr2-178636695-G-T. GRCh37 (hg19) VCF-style: chr2-179501422-G-T.
Other names: c.36109C>A, p.Leu12037Ile (NM_001256850.1); c.13837C>A, p.Leu4613Ile (NM_003319.4); c.33328C>A, p.Leu11110Ile (NM_133378.4); c.14212C>A, p.Leu4738Ile (NM_133432.3); c.14413C>A, p.Leu4805Ile (NM_133437.4); short protein forms L11110I, L12037I, L13678I, L4738I, L4805I, L4613I.
Identifiers: ClinVar variation 1771327 (VCV001771327.2), dbSNP rs2471637149, ClinGen allele CA349661706.

ClinVar aggregate classification (germline): Uncertain significance (1 of 4 stars; one submission).

Conditions:
Cardiovascular phenotype. Identifiers: MedGen CN230736.

Submission:

Ambry Genetics
Classification: Uncertain significance for Cardiovascular phenotype. Last evaluated: 2019-09-28. Review status: criteria provided, single submitter. Criteria: Ambry Variant Classification Scheme 2023. Collection method: clinical testing. Allele origin: germline.
Comment: The p.L4613I variant (also known as c.13837C>A), located in coding exon 52 of the TTN gene, results from a C to A substitution at nucleotide position 13837. The leucine at codon 4613 is replaced by isoleucine, an amino acid with highly similar properties. This amino acid position is highly conserved in available vertebrate species. In addition, this alteration is predicted to be tolerated by in silico analysis. Since supporting evidence is limited at this time, the clinical significance of this alteration remains unclear.